The following is an entry in ClinVar:

NM_003872.3(NRP2):c.786G>A (p.Ala262=)

Gene: NRP2 (neuropilin 2; plus strand). Cytogenetic location: 2q33.3.
Variant type: single nucleotide variant.
Coding change: c.786G>A on transcript NM_003872.3 (MANE Select); coding-DNA position 786, G replaced by A.
Protein change: p.Ala262=; no amino-acid change (alanine 262 retained).
Molecular consequence: synonymous variant.
Genome position (GRCh38, 1-based): chr2:205,723,906, G>A. VCF-style: chr2-205723906-G-A. GRCh37 (hg19) VCF-style: chr2-206588630-G-A.
Other names: c.786G>A, p.Ala262= (NM_018534.4, NM_201264.2, NM_201266.2 and 2 more transcripts).
Identifiers: ClinVar variation 3352036 (VCV003352036.1).

ClinVar aggregate classification (germline): Likely benign (0 of 4 stars; one submission).

Conditions:
NRP2-related disorder. Also called: NRP2-related condition.

gnomAD v4.1: 75 of 1,614,152 alleles (0.0046%); highest among the groups gnomAD compares: South Asian, 0.038%; no homozygotes.

Submission:

PreventionGenetics, part of Exact Sciences
Classification: Likely benign for NRP2-related condition. Last evaluated: 2021-12-10. Review status: no assertion criteria provided. Collection method: clinical testing. Allele origin: germline.
Comment: This variant is classified as likely benign based on ACMG/AMP sequence variant interpretation guidelines (Richards et al. 2015 PMID: 25741868, with internal and published modifications).